The following is an entry in ClinVar:

NM_001985.3(ETFB):c.439-321C>T

Gene: ETFB (electron transfer flavoprotein subunit beta; minus strand). Cytogenetic location: 19q13.41.
Variant type: single nucleotide variant.
Coding change: c.439-321C>T on transcript NM_001985.3 (MANE Select); 321 bases into the intron before coding-DNA position 439, C replaced by T.
Molecular consequence: intron variant.
Genome position (GRCh38, 1-based): chr19:51,347,379, G>A on the plus strand (C>T on the coding strand, the complement: ETFB is on the minus strand). VCF-style: chr19-51347379-G-A. GRCh37 (hg19) VCF-style: chr19-51850633-G-A.
Other names: c.712-321C>T (NM_001014763.1).
Identifiers: ClinVar variation 671397 (VCV000671397.2), dbSNP rs3786628, ClinGen allele CA14678229.
Genomic context (GRCh38, chr19:51,347,379, plus strand): 5'-ACATGTACTGAGTGCTGAGCCCTGTGCTAAGCAACTGATGTATCAAGTCATCGAATCCTC[G>A]CAGGAACTTTATGAGGTAAATGTTATTATCCCCACTTTACAGATGAGAGAAACTGAGGCA-3'

ClinVar aggregate classification (germline): Benign. Review status: criteria provided, multiple submitters, no conflicts (2 of 4 stars). 2 submissions from 2 submitters: Benign (2). Last evaluated 2018-06-14.

Allele frequency attached by ClinVar (database versions not stated): gnomAD exomes 0.09004; gnomAD 0.10159 and 0.10299; TOPMed 0.10678; 1000 Genomes Project 0.11701; 1000 Genomes Project 30x 0.11836.
gnomAD v4.1: 27,428 of 283,390 alleles (9.7%); highest among the groups gnomAD compares: Middle Eastern, 16%; 1,510 homozygotes.

Submissions (2):

GeneDx
Classification: Benign. Last evaluated: 2018-06-14. Review status: criteria provided, single submitter. Criteria: GeneDx Variant Classification (06012015). Collection method: clinical testing. Allele origin: germline. Affected: yes.
Comment: This variant is considered likely benign or benign based on one or more of the following criteria: it is a conservative change, it occurs at a poorly conserved position in the protein, it is predicted to be benign by multiple in silico algorithms, and/or has population frequency not consistent with disease.

Breakthrough Genomics
Classification: Benign. Review status: criteria provided, single submitter. Criteria: ACMG Guidelines, 2015. Collection method: not provided. Allele origin: germline. Inheritance: Autosomal recessive inheritance. Affected: yes.